The following is an entry in ClinVar:

ClinVar aggregate classification (germline): Uncertain significance (1 of 4 stars; one submission).

Submission:

CeGaT Center for Human Genetics Tuebingen
Classification: Uncertain significance. Last evaluated: 2025-09-01. Review status: criteria provided, single submitter. Criteria: CeGaT Center For Human Genetics Tuebingen Variant Classification Criteria Version 2. Collection method: clinical testing. Allele origin: germline. Affected: yes. Observed: 2 variant alleles.
Comment: NOVA2: PM2:Supporting, PP2

NM_002516.4(NOVA2):c.517A>T (p.Ile173Phe)

Gene: NOVA2 (NOVA alternative splicing regulator 2; minus strand). Cytogenetic location: 19q13.32.
Variant type: single nucleotide variant.
Coding change: c.517A>T on transcript NM_002516.4 (MANE Select); coding-DNA position 517, A replaced by T.
Protein change: p.Ile173Phe; replaces isoleucine 173 with phenylalanine.
Molecular consequence: missense variant.
Genome position (GRCh38, 1-based): chr19:45,940,825, T>A on the plus strand (A>T on the coding strand, the complement: NOVA2 is on the minus strand). VCF-style: chr19-45940825-T-A. GRCh37 (hg19) VCF-style: chr19-46444083-T-A.
Other names: short protein forms I173F.
Identifiers: ClinVar variation 3772615 (VCV003772615.13).